The following is an entry in ClinVar:

ClinVar aggregate classification (germline): Uncertain significance (1 of 4 stars; one submission).

gnomAD v4.1: 1 of 1,614,110 alleles (0.000062%); highest among the groups gnomAD compares: Non-Finnish European, 0.000085%; no homozygotes.

Submission:

Women's Health and Genetics/Laboratory Corporation of America, LabCorp
Classification: Uncertain significance. Last evaluated: 2026-03-31. Review status: criteria provided, single submitter. Criteria: LabCorp Variant Classification Summary - May 2015. Collection method: clinical testing. Allele origin: germline.
Comment: Variant summary: COL17A1 c.1744G>A (p.Gly582Arg) results in a non-conservative amino acid change in the encoded protein sequence. Algorithms developed to predict the effect of missense changes on protein structure and function all suggest that this variant is likely to be disruptive. Several computational tools predict a significant impact on normal splicing: Three predict the variant weakens a canonical 5' donor site and one predicts the variant abolishes a canonical 5' splicing donor site. However, these predictions have yet to be confirmed by functional studies. The variant was absent in 251348 control chromosomes. The available data on variant occurrences in the general population are insufficient to allow any conclusion about variant significance. To our knowledge, no occurrence of c.1744G>A in individuals affected with COL17A1-related conditions and no experimental evidence demonstrating its impact on protein function have been reported. No submitters have cited clinical-significance assessments for this variant to ClinVar. Based on the evidence outlined above, the variant was classified as uncertain significance.

NM_000494.4(COL17A1):c.1744G>A (p.Gly582Arg)

Genes: COL17A1 (collagen type XVII alpha 1 chain; minus strand), LOC126861025 (CDK7 strongly-dependent group 2 enhancer GRCh37_chr10:105813739-105814938; plus strand). Cytogenetic location: 10q25.1.
Variant type: single nucleotide variant.
Coding change: c.1744G>A on transcript NM_000494.4 (MANE Select); coding-DNA position 1744, G replaced by A.
Protein change: p.Gly582Arg; replaces glycine 582 with arginine.
Molecular consequence: missense variant.
Genome position (GRCh38, 1-based): chr10:104,054,981, C>T on the plus strand (G>A on the coding strand, the complement: COL17A1 is on the minus strand). VCF-style: chr10-104054981-C-T. GRCh37 (hg19) VCF-style: chr10-105814739-C-T.
Other names: short protein forms G582R.
Identifiers: ClinVar variation 4847207 (VCV004847207.1).